The following is an entry in ClinVar:

ClinVar aggregate classification (germline): Pathogenic. Review status: criteria provided, single submitter (1 of 4 stars). 2 submissions from 2 submitters: Pathogenic (1). 1 of the submissions does not count toward it. Last evaluated 2025-08-21.

Conditions:
Focal segmental glomerulosclerosis 5 (FSGS5). Identifiers: Orphanet 656, MedGen C2750475, MONDO:0013191, OMIM 613237.
Charcot-Marie-Tooth disease dominant intermediate E. Also called: CHARCOT-MARIE-TOOTH NEUROPATHY WITH FOCAL SEGMENTAL GLOMERULONEPHRITIS. Identifiers: Orphanet 93114, MedGen C4302667, MONDO:0013758, OMIM 614455.
Charcot-Marie-Tooth disease. Also called: Charcot-Marie-Tooth Hereditary Neuropathy; Charcot-Marie-Tooth Neuropathy. Identifiers: Orphanet 166, MedGen C0007959, MONDO:0015626.

Submissions (2):

Labcorp Genetics (formerly Invitae), Labcorp
Classification: Pathogenic for Charcot-Marie-Tooth disease dominant intermediate E; Focal segmental glomerulosclerosis 5. Last evaluated: 2025-08-21. Review status: criteria provided, single submitter. Criteria: Invitae Variant Classification Sherloc (09022015). Collection method: clinical testing. Allele origin: germline.
Comment: This sequence change replaces valine, which is neutral and non-polar, with aspartic acid, which is acidic and polar, at codon 108 of the INF2 protein (p.Val108Asp). This variant is not present in population databases (gnomAD no frequency). This missense change has been observed in individual(s) with Charcot-Marie-Tooth disease and focal segmental glomerulosclerosis (PMID: 25165188, 37491439). In at least one individual the variant was observed to be de novo. ClinVar contains an entry for this variant (Variation ID: 637711). Invitae Evidence Modeling of protein sequence and biophysical properties (such as structural, functional, and spatial information, amino acid conservation, physicochemical variation, residue mobility, and thermodynamic stability) indicates that this missense variant is expected to disrupt INF2 protein function with a positive predictive value of 95%. Experimental studies have shown that this missense change affects INF2 function (PMID: 37491439). For these reasons, this variant has been classified as Pathogenic.

Inherited Neuropathy Consortium
Classification: Uncertain significance for Charcot-Marie-Tooth disease. Review status: no assertion criteria provided. Collection method: literature only. Allele origin: germline. Affected: yes. Not counted in ClinVar's aggregate classification.

Literature cited by the submitters: PubMed 25165188 (cited by Labcorp Genetics (formerly Invitae), Labcorp); PubMed 37491439 (cited by Labcorp Genetics (formerly Invitae), Labcorp); PubMed 23521651 (cited by Inherited Neuropathy Consortium).

NM_022489.4(INF2):c.323T>A (p.Val108Asp)

Gene: INF2 (inverted formin 2; plus strand). Cytogenetic location: 14q32.33.
Variant type: single nucleotide variant.
Coding change: c.323T>A on transcript NM_022489.4 (MANE Select); coding-DNA position 323, T replaced by A.
Protein change: p.Val108Asp; replaces valine 108 with aspartic acid.
Molecular consequence: missense variant.
Genome position (GRCh38, 1-based): chr14:104,701,688, T>A. VCF-style: chr14-104701688-T-A. GRCh37 (hg19) VCF-style: chr14-105168025-T-A.
Other names: c.323T>A, p.Val108Asp (NM_001031714.4, NM_032714.3); short protein forms V108D.
Identifiers: ClinVar variation 637711 (VCV000637711.3), dbSNP rs1595164081, ClinGen allele CA391225876.